The following is an entry in ClinVar:

ClinVar aggregate classification (germline): Pathogenic (1 of 4 stars; one submission).

Conditions:
Hypohidrotic X-linked ectodermal dysplasia (XHED). Also called: Ectodermal Dysplasia 1, Anhidrotic; ECTODERMAL DYSPLASIA, HYPOHIDROTIC, 1; CST SYNDROME; ECTODERMAL DYSPLASIA 1; Christ-Siemans-Touraine syndrome; Anhidrotic ectodermal dysplasia X-linked. Identifiers: Orphanet 181, Orphanet 238468, MedGen C0162359, MONDO:0010585, OMIM 305100.

Submission:

Labcorp Genetics (formerly Invitae), Labcorp
Classification: Pathogenic for Hypohidrotic X-linked ectodermal dysplasia. Last evaluated: 2018-05-29. Review status: criteria provided, single submitter. Criteria: Invitae Variant Classification Sherloc (09022015). Collection method: clinical testing. Allele origin: germline.
Comment: This variant is a gross deletion of the genomic region encompassing exon 1 of the EDA gene, which includes the initiator codon. The 5' end of this event is unknown as it extends beyond the assayed region for this gene and therefore may encompass additional genes. The 3' boundary is likely confined to intron 1 of the EDA gene. This is expected to result in an absent or disrupted protein product. A similar deletion has been reported in the literature in individuals affected with X-linked anhidrotic ectodermal dysplasia (PMID:8696334,11295832). Loss-of-function variants in EDA are known to be pathogenic (PMID: 9683615). For these reasons, this variant has been classified as Pathogenic.

Literature cited by the submitters: PubMed 8696334; PubMed 11295832.

NC_000023.11:g.(?_69616289)_(69616724_?)del

Gene: EDA (ectodysplasin A; plus strand). Cytogenetic location: Xq13.1.
Variant type: Deletion.
Identifiers: ClinVar variation 458650 (VCV000458650.1).